The following is an entry in ClinVar:

NM_001374353.1(GLI2):c.4019G>A (p.Gly1340Asp)

Gene: GLI2 (GLI family zinc finger 2; plus strand). Cytogenetic location: 2q14.2.
Variant type: single nucleotide variant.
Coding change: c.4019G>A on transcript NM_001374353.1 (MANE Select); coding-DNA position 4019, G replaced by A.
Protein change: p.Gly1340Asp; replaces glycine 1340 with aspartic acid.
Molecular consequence: missense variant.
Genome position (GRCh38, 1-based): chr2:120,989,984, G>A. VCF-style: chr2-120989984-G-A. GRCh37 (hg19) VCF-style: chr2-121747560-G-A.
Other names: c.4070G>A, p.Gly1357Asp (NM_001371271.1, NM_005270.5); c.3644G>A, p.Gly1215Asp (NM_001374354.1); short protein forms G1340D, G1215D, G1357D.
Identifiers: ClinVar variation 2198187 (VCV002198187.4), dbSNP rs760434927, ClinGen allele CA1852535.

ClinVar aggregate classification (germline): Uncertain significance (1 of 4 stars; one submission).

Conditions:
Holoprosencephaly 9 (HPE9). Also called: PITUITARY ANOMALIES WITH HOLOPROSENCEPHALY-LIKE FEATURES; HOLOPROSENCEPHALY WITH MICROPHTHALMIA AND FIRST BRANCHIAL ARCH ANOMALIES. Identifiers: Orphanet 2162, MedGen C1835819, MONDO:0012563, OMIM 610829.
Postaxial polydactyly-anterior pituitary anomalies-facial dysmorphism syndrome. Also called: Culler-Jones syndrome. Identifiers: Orphanet 420584, MedGen C4014479, MONDO:0014369, OMIM 615849.

Allele frequency attached by ClinVar (database versions not stated): ExAC 0.00001; gnomAD 0.00001; gnomAD exomes 0.00001; TOPMed 0.00005.
gnomAD v4.1: 17 of 1,610,288 alleles (0.0011%); highest among the groups gnomAD compares: African/African-American, 0.0027%; no homozygotes.

Submission:

Labcorp Genetics (formerly Invitae), Labcorp
Classification: Uncertain significance for Postaxial polydactyly-anterior pituitary anomalies-facial dysmorphism syndrome; Holoprosencephaly 9. Last evaluated: 2022-04-24. Review status: criteria provided, single submitter. Criteria: Invitae Variant Classification Sherloc (09022015). Collection method: clinical testing. Allele origin: germline.
Comment: In summary, the available evidence is currently insufficient to determine the role of this variant in disease. Therefore, it has been classified as a Variant of Uncertain Significance. This sequence change replaces glycine, which is neutral and non-polar, with aspartic acid, which is acidic and polar, at codon 1357 of the GLI2 protein (p.Gly1357Asp). This variant is present in population databases (rs760434927, gnomAD 0.001%). This variant has not been reported in the literature in individuals affected with GLI2-related conditions. Algorithms developed to predict the effect of missense changes on protein structure and function (SIFT, PolyPhen-2, Align-GVGD) all suggest that this variant is likely to be tolerated.